The following is an entry in ClinVar:

ClinVar aggregate classification (germline): Uncertain significance (1 of 4 stars; one submission).

Conditions:
Muscular dystrophy, limb-girdle, autosomal recessive 27. Identifiers: MedGen C5562002, MONDO:0030456, OMIM 619566.

Submission:

SIB Swiss Institute of Bioinformatics
Classification: Uncertain significance for Muscular dystrophy, limb-girdle, autosomal recessive 27. Last evaluated: 2022-04-20. Review status: criteria provided, single submitter. Criteria: ACMG Guidelines, 2015. Collection method: curation. Allele origin: unknown.
Comment: This variant is interpreted as a variant of uncertain significance for Muscular dystrophy, limb-girdle, autosomal recessive 27. The following ACMG Tag(s) were applied: Absent from controls (or at extremely low frequency if recessive) in Exome Sequencing Project, 1000 Genomes Project, or Exome Aggregation Consortium (PM2); Multiple lines of computational evidence support a deleterious effect on the gene or gene product (PP3).

Literature cited by the submitters: PubMed 33861953.

NM_002226.5(JAG2):c.283A>G (p.Thr95Ala)

Gene: JAG2 (jagged canonical Notch ligand 2; minus strand). Cytogenetic location: 14q32.33.
Variant type: single nucleotide variant.
Coding change: c.283A>G on transcript NM_002226.5 (MANE Select); coding-DNA position 283, A replaced by G.
Protein change: p.Thr95Ala; replaces threonine 95 with alanine.
Molecular consequence: missense variant.
Genome position (GRCh38, 1-based): chr14:105,167,891, T>C on the plus strand (A>G on the coding strand, the complement: JAG2 is on the minus strand). VCF-style: chr14-105167891-T-C. GRCh37 (hg19) VCF-style: chr14-105634228-T-C.
Other names: c.283A>G, p.Thr95Ala (NM_145159.3); short protein forms T95A.
Identifiers: ClinVar variation 1677286 (VCV001677286.1), dbSNP rs1555371784, ClinGen allele CA391173533.